The following is an entry in ClinVar:

NM_000426.4(LAMA2):c.1625G>A (p.Gly542Asp)

Gene: LAMA2 (laminin subunit alpha 2; plus strand). Cytogenetic location: 6q22.33.
Variant type: single nucleotide variant.
Coding change: c.1625G>A on transcript NM_000426.4 (MANE Select); coding-DNA position 1625, G replaced by A.
Protein change: p.Gly542Asp; replaces glycine 542 with aspartic acid.
Molecular consequence: missense variant.
Genome position (GRCh38, 1-based): chr6:129,192,696, G>A. VCF-style: chr6-129192696-G-A. GRCh37 (hg19) VCF-style: chr6-129513841-G-A.
Other names: c.1625G>A, p.Gly542Asp (NM_001079823.2); short protein forms G542D.
Identifiers: ClinVar variation 862525 (VCV000862525.7), dbSNP rs1301047464, ClinGen allele CA365608126.

ClinVar aggregate classification (germline): Uncertain significance (1 of 4 stars; one submission).

Conditions:
LAMA2-related muscular dystrophy (LAMA2-RD). Also called: Laminin alpha 2-related dystrophy. Identifiers: MedGen C5679788, MONDO:0100228.

Allele frequency attached by ClinVar (database versions not stated): gnomAD exomes below 0.00001; TOPMed below 0.00001; gnomAD 0.00001.
gnomAD v4.1: 2 of 1,613,858 alleles (0.00012%); highest among the groups gnomAD compares: African/African-American, 0.0013%; no homozygotes.

Submission:

Labcorp Genetics (formerly Invitae), Labcorp
Classification: Uncertain significance for LAMA2-related muscular dystrophy. Last evaluated: 2022-02-03. Review status: criteria provided, single submitter. Criteria: Invitae Variant Classification Sherloc (09022015). Collection method: clinical testing. Allele origin: germline.
Comment: This sequence change replaces glycine, which is neutral and non-polar, with aspartic acid, which is acidic and polar, at codon 542 of the LAMA2 protein (p.Gly542Asp). This variant is not present in population databases (gnomAD no frequency). This variant has not been reported in the literature in individuals affected with LAMA2-related conditions. ClinVar contains an entry for this variant (Variation ID: 862525). Advanced modeling of protein sequence and biophysical properties (such as structural, functional, and spatial information, amino acid conservation, physicochemical variation, residue mobility, and thermodynamic stability) performed at Invitae indicates that this missense variant is not expected to disrupt LAMA2 protein function. In summary, the available evidence is currently insufficient to determine the role of this variant in disease. Therefore, it has been classified as a Variant of Uncertain Significance.